The following is an entry in ClinVar:

NM_022361.5(POPDC3):c.75C>T (p.Ala25=)

Genes: POPDC1-AS1 (POPDC1 antisense RNA 1; plus strand), POPDC3 (popeye domain cAMP effector 3; minus strand). Cytogenetic location: 6q21.
Variant type: single nucleotide variant.
Coding change: c.75C>T on transcript NM_022361.5 (MANE Select); coding-DNA position 75, C replaced by T.
Protein change: p.Ala25=; no amino-acid change (alanine 25 retained).
Molecular consequence: synonymous variant. On other transcripts: non-coding transcript variant (1).
Genome position (GRCh38, 1-based): chr6:105,161,835, G>A on the plus strand (C>T on the coding strand, the complement: POPDC3 is on the minus strand). VCF-style: chr6-105161835-G-A. GRCh37 (hg19) VCF-style: chr6-105609710-G-A.
Identifiers: ClinVar variation 3040113 (VCV003040113.2), dbSNP rs150202904, ClinGen allele CA3941399.
Genomic context (GRCh38, chr6:105,161,835, plus strand): 5'-ACTGCCACCCATGAAACCTACTACAAATAAAATACTGGCAAGATGATAAATGGCTCCTTC[G>A]GCCTCTTGCTTCCAGGTTGTGCAGACTGGGTGTTCATCTATTAGGTTCTTCCATAAACTT-3'
Protein context (NP_071756.2, residues 15-35): HPVCTTWKQE[Ala25=]EGAIYHLASI

ClinVar aggregate classification (germline): Likely benign (0 of 4 stars; one submission).

Conditions:
POPDC3-related disorder. Also called: POPDC3-related condition.

Allele frequency attached by ClinVar (database versions not stated): ExAC 0.00019; ESP Exome Variant Server 0.00038; 1000 Genomes Project 30x 0.00062; 1000 Genomes Project 0.00080.
gnomAD v4.1: 137 of 1,614,078 alleles (0.0085%); highest among the groups gnomAD compares: African/African-American, 0.11%; no homozygotes.

Submission:

PreventionGenetics, part of Exact Sciences
Classification: Likely benign for POPDC3-related condition. Last evaluated: 2021-11-04. Review status: no assertion criteria provided. Collection method: clinical testing. Allele origin: germline.
Comment: This variant is classified as likely benign based on ACMG/AMP sequence variant interpretation guidelines (Richards et al. 2015 PMID: 25741868, with internal and published modifications).